The following is an entry in ClinVar:

NM_016356.5(DCDC2):c.543C>T (p.Ser181=)

Gene: DCDC2 (doublecortin domain containing 2; minus strand). Cytogenetic location: 6p22.3.
Variant type: single nucleotide variant.
Coding change: c.543C>T on transcript NM_016356.5 (MANE Select); coding-DNA position 543, C replaced by T.
Protein change: p.Ser181=; no amino-acid change (serine 181 retained).
Molecular consequence: synonymous variant.
Genome position (GRCh38, 1-based): chr6:24,301,729, G>A on the plus strand (C>T on the coding strand, the complement: DCDC2 is on the minus strand). VCF-style: chr6-24301729-G-A. GRCh37 (hg19) VCF-style: chr6-24301957-G-A.
Other names: c.543C>T, p.Ser181= (NM_001195610.2).
Identifiers: ClinVar variation 595441 (VCV000595441.17), dbSNP rs141060456, ClinGen allele CA3654734.

ClinVar aggregate classification (germline): Conflicting classifications of pathogenicity. Review status: criteria provided, conflicting classifications (1 of 4 stars). 4 submissions from 4 submitters: Uncertain significance (1); Likely benign (2). 1 of the submissions does not count toward it. Last evaluated 2025-09-29.

Conditions:
Autosomal recessive nonsyndromic hearing loss 66 (DFNB66). Also called: Deafness, autosomal recessive 66. Identifiers: Orphanet 90636, MedGen C1857750, MONDO:0012442, OMIM 610212.
Isolated neonatal sclerosing cholangitis (NSC). Also called: Sclerosing cholangitis, neonatal. Identifiers: Orphanet 480556, MedGen C4479344, MONDO:0018816, OMIM 617394.
DCDC2-related disorder. Also called: DCDC2-related condition.

Allele frequency attached by ClinVar (database versions not stated): TOPMed 0.00008.
gnomAD v4.1: 125 of 1,613,920 alleles (0.0077%); highest among the groups gnomAD compares: Admixed American, 0.04%; no homozygotes.

Submissions (4):

Labcorp Genetics (formerly Invitae), Labcorp
Classification: Likely benign for Autosomal recessive nonsyndromic hearing loss 66; Isolated neonatal sclerosing cholangitis. Last evaluated: 2025-09-29. Review status: criteria provided, single submitter. Criteria: Invitae Variant Classification Sherloc (09022015). Collection method: clinical testing. Allele origin: germline.

Blueprint Genetics
Classification: Likely benign. Last evaluated: 2022-05-23. Review status: criteria provided, single submitter. Criteria: ACMG Guidelines, 2015. Collection method: clinical testing. Allele origin: germline.

Eurofins Ntd Llc (ga)
Classification: Uncertain significance. Last evaluated: 2017-12-19. Review status: criteria provided, single submitter. Criteria: EGL Classification Definitions 2015. Collection method: clinical testing. Allele origin: germline. Observed: 2 variant alleles, 2 heterozygotes.

PreventionGenetics, part of Exact Sciences
Classification: Likely benign for DCDC2-related condition. Last evaluated: 2023-07-20. Review status: no assertion criteria provided. Collection method: clinical testing. Allele origin: germline. Not counted in ClinVar's aggregate classification.
Comment: This variant is classified as likely benign based on ACMG/AMP sequence variant interpretation guidelines (Richards et al. 2015 PMID: 25741868, with internal and published modifications).